The following is an entry in ClinVar:

ClinVar aggregate classification (germline): Uncertain significance. Review status: criteria provided, multiple submitters, no conflicts (2 of 4 stars). 3 submissions from 3 submitters: Uncertain significance (2). 1 of the submissions does not count toward it. Last evaluated 2022-08-22.

Conditions:
RPGRIP1L-related disorder. Also called: RPGRIP1L-related disorders; RPGRIP1L-related condition. Identifiers: MedGen CN239416.
Meckel syndrome, type 5 (MKS5). Identifiers: Orphanet 564, MedGen C1969052, MONDO:0012695, OMIM 611561.
COACH syndrome 3. Identifiers: MedGen C5436841, MONDO:0030862, OMIM 619113.
Joubert syndrome 7 (JBTS7). Identifiers: Orphanet 220497, MedGen C1969053, MONDO:0012694, OMIM 611560.
Meckel-Gruber syndrome. Also called: GRUBER SYNDROME; Dysencephalia splachnocystica; DYSENCEPHALIA SPLANCHNOCYSTICA. Identifiers: Orphanet 564, MedGen C0265215, MONDO:0018921.
Joubert syndrome. Also called: JOUBERT-BOLTSHAUSER SYNDROME; Familial aplasia of the vermis. Identifiers: Orphanet 475, MedGen C5979921, MONDO:0018772.

Allele frequency attached by ClinVar (database versions not stated): 1000 Genomes Project 30x 0.00016; 1000 Genomes Project 0.00020.
gnomAD v4.1: 16 of 1,613,942 alleles (0.00099%); highest among the groups gnomAD compares: East Asian, 0.036%; no homozygotes.

Submissions (3):

Labcorp Genetics (formerly Invitae), Labcorp
Classification: Uncertain significance for Joubert syndrome; Meckel-Gruber syndrome. Last evaluated: 2022-08-22. Review status: criteria provided, single submitter. Criteria: Invitae Variant Classification Sherloc (09022015). Collection method: clinical testing. Allele origin: germline.
Comment: This sequence change replaces arginine, which is basic and polar, with glycine, which is neutral and non-polar, at codon 34 of the RPGRIP1L protein (p.Arg34Gly). This variant is present in population databases (rs565245381, gnomAD 0.05%). This variant has not been reported in the literature in individuals affected with RPGRIP1L-related conditions. ClinVar contains an entry for this variant (Variation ID: 1348157). Algorithms developed to predict the effect of missense changes on protein structure and function are either unavailable or do not agree on the potential impact of this missense change (SIFT: "Deleterious"; PolyPhen-2: "Benign"; Align-GVGD: "Class C0"). Algorithms developed to predict the effect of sequence changes on RNA splicing suggest that this variant may create or strengthen a splice site. In summary, the available evidence is currently insufficient to determine the role of this variant in disease. Therefore, it has been classified as a Variant of Uncertain Significance.

Fulgent Genetics
Classification: Uncertain significance for Joubert syndrome 7; Meckel syndrome, type 5; COACH syndrome 3. Last evaluated: 2022-03-10. Review status: criteria provided, single submitter. Criteria: ACMG Guidelines, 2015. Collection method: clinical testing. Allele origin: unknown.

PreventionGenetics, part of Exact Sciences
Classification: Uncertain significance for RPGRIP1L-related condition. Last evaluated: 2024-01-29. Review status: no assertion criteria provided. Collection method: clinical testing. Allele origin: germline. Not counted in ClinVar's aggregate classification.
Comment: The RPGRIP1L c.100C>G variant is predicted to result in the amino acid substitution p.Arg34Gly. To our knowledge, this variant has not been reported in the literature. This variant is reported in 0.054% of alleles in individuals of East Asian descent in gnomAD. At this time, the clinical significance of this variant is uncertain due to the absence of conclusive functional and genetic evidence.

NM_015272.5(RPGRIP1L):c.100C>G (p.Arg34Gly)

Gene: RPGRIP1L (RPGRIP1 like; minus strand). Cytogenetic location: 16q12.2.
Variant type: single nucleotide variant.
Coding change: c.100C>G on transcript NM_015272.5 (MANE Select); coding-DNA position 100, C replaced by G.
Protein change: p.Arg34Gly; replaces arginine 34 with glycine.
Molecular consequence: missense variant.
Genome position (GRCh38, 1-based): chr16:53,696,281, G>C on the plus strand (C>G on the coding strand, the complement: RPGRIP1L is on the minus strand). VCF-style: chr16-53696281-G-C. GRCh37 (hg19) VCF-style: chr16-53730193-G-C.
Other names: c.100C>G (NM_015272.4); c.100C>G, p.Arg34Gly (NM_001127897.4, NM_001308334.3, NM_001328422.2 and 2 more transcripts); short protein forms R34G.
Identifiers: ClinVar variation 1348157 (VCV001348157.6), dbSNP rs565245381, ClinGen allele CA8058211.